The following is an entry in ClinVar:

ClinVar aggregate classification (germline): Uncertain significance (1 of 4 stars; one submission).

Conditions:
Reticular dysgenesis. Also called: ALEUKOCYTOSIS; CONGENITAL ALEUKIA; HEMATOPOIETIC HYPOPLASIA, GENERALIZED; RETICULAR DYSGENESIA; SEVERE COMBINED IMMUNODEFICIENCY WITH LEUKOPENIA; DeVaal disease. Identifiers: Orphanet 33355, MedGen C0272167, MONDO:0009973, OMIM 267500.

gnomAD v4.1: 18 of 1,611,750 alleles (0.0011%); highest among the groups gnomAD compares: Admixed American, 0.0033%; no homozygotes.

Submission:

Labcorp Genetics (formerly Invitae), Labcorp
Classification: Uncertain significance for Reticular dysgenesis. Last evaluated: 2024-09-13. Review status: criteria provided, single submitter. Criteria: Invitae Variant Classification Sherloc (09022015). Collection method: clinical testing. Allele origin: germline.
Comment: This sequence change replaces arginine, which is basic and polar, with glycine, which is neutral and non-polar, at codon 150 of the AK2 protein (p.Arg150Gly). This variant is present in population databases (rs768173996, gnomAD 0.003%). This variant has not been reported in the literature in individuals affected with AK2-related conditions. An algorithm developed to predict the effect of missense changes on protein structure and function (PolyPhen-2) suggests that this variant is likely to be disruptive. In summary, the available evidence is currently insufficient to determine the role of this variant in disease. Therefore, it has been classified as a Variant of Uncertain Significance.

NM_001625.4(AK2):c.448C>G (p.Arg150Gly)

Gene: AK2 (adenylate kinase 2; minus strand). Cytogenetic location: 1p35.1.
Variant type: single nucleotide variant.
Coding change: c.448C>G on transcript NM_001625.4 (MANE Select); coding-DNA position 448, C replaced by G.
Protein change: p.Arg150Gly; replaces arginine 150 with glycine.
Molecular consequence: missense variant. On other transcripts: non-coding transcript variant (1).
Genome position (GRCh38, 1-based): chr1:33,014,572, G>C on the plus strand (C>G on the coding strand, the complement: AK2 is on the minus strand). VCF-style: chr1-33014572-G-C. GRCh37 (hg19) VCF-style: chr1-33480173-G-C.
Other names: c.424C>G, p.Arg142Gly (NM_001199199.3); c.304C>G, p.Arg102Gly (NM_001319139.3, NM_001319140.2); c.448C>G, p.Arg150Gly (NM_001319141.3, NM_013411.5); c.322C>G, p.Arg108Gly (NM_001319142.3); c.353C>G, p.Pro118Arg (NM_001319143.2); short protein forms P118R, R102G, R108G, R142G, R150G.
Identifiers: ClinVar variation 3611955 (VCV003611955.2).